The following is an entry in ClinVar:

NM_052867.4(NALCN):c.1216T>G (p.Tyr406Asp)

Genes: NALCN (sodium leak channel, non-selective; minus strand), LOC126861831 (P300/CBP strongly-dependent group 1 enhancer GRCh37_chr13:101909917-101911116; plus strand). Cytogenetic location: 13q33.1.
Variant type: single nucleotide variant.
Coding change: c.1216T>G on transcript NM_052867.4 (MANE Select); coding-DNA position 1216, T replaced by G.
Protein change: p.Tyr406Asp; replaces tyrosine 406 with aspartic acid.
Molecular consequence: missense variant.
Genome position (GRCh38, 1-based): chr13:101,258,493, A>C on the plus strand (T>G on the coding strand, the complement: NALCN is on the minus strand). VCF-style: chr13-101258493-A-C. GRCh37 (hg19) VCF-style: chr13-101910844-A-C.
Other names: c.1216T>G, p.Tyr406Asp (NM_001350748.2, NM_001350749.2); c.1129T>G, p.Tyr377Asp (NM_001350750.2, NM_001350751.2); short protein forms Y377D, Y406D.
Identifiers: ClinVar variation 1806579 (VCV001806579.3), dbSNP rs758974889, ClinGen allele CA7036271.

ClinVar aggregate classification (germline): Uncertain significance. Review status: criteria provided, multiple submitters, no conflicts (2 of 4 stars). 2 submissions from 2 submitters: Uncertain significance (2). Last evaluated 2025-10-27.

Conditions:
Inborn genetic diseases. Identifiers: MedGen C0950123, MeSH D030342.

Allele frequency attached by ClinVar (database versions not stated): gnomAD exomes below 0.00001; ExAC 0.00001; TOPMed 0.00002; gnomAD 0.00003.
gnomAD v4.1: 13 of 1,614,046 alleles (0.00081%); highest among the groups gnomAD compares: African/African-American, 0.011%; no homozygotes.

Submissions (2):

GeneDx
Classification: Uncertain significance. Last evaluated: 2025-10-27. Review status: criteria provided, single submitter. Criteria: GeneDx Variant Classification Process June 2021. Collection method: clinical testing. Allele origin: germline. Affected: yes.
Comment: In silico analysis supports that this missense variant has a deleterious effect on protein structure/function; Has not been previously published as pathogenic or benign to our knowledge

Ambry Genetics
Classification: Uncertain significance for Inborn genetic diseases. Last evaluated: 2023-09-23. Review status: criteria provided, single submitter. Criteria: Ambry Variant Classification Scheme 2023. Collection method: clinical testing. Allele origin: germline.